The following is an entry in ClinVar:

ClinVar aggregate classification (germline): Pathogenic (1 of 4 stars; one submission).

Submission:

Mayo Clinic Laboratories, Mayo Clinic
Classification: Pathogenic. Last evaluated: 2023-08-08. Review status: criteria provided, single submitter. Criteria: ACMG Guidelines, 2015. Collection method: clinical testing. Allele origin: germline. Observed: 1 variant allele.
Comment: PP3, PM1, PM2_moderate, PS3, PS4_moderate

Literature cited by the submitters: PubMed 26039544; PubMed 33105716.

NM_021870.3(FGG):c.1024G>A (p.Asp342Asn)

Gene: FGG (fibrinogen gamma chain; minus strand). Cytogenetic location: 4q32.1.
Variant type: single nucleotide variant.
Coding change: c.1024G>A on transcript NM_021870.3 (MANE Select); coding-DNA position 1024, G replaced by A.
Protein change: p.Asp342Asn; replaces aspartic acid 342 with asparagine.
Molecular consequence: missense variant.
Genome position (GRCh38, 1-based): chr4:154,606,810, C>T on the plus strand (G>A on the coding strand, the complement: FGG is on the minus strand). VCF-style: chr4-154606810-C-T. GRCh37 (hg19) VCF-style: chr4-155527962-C-T.
Other names: p.Asp342Asn; c.1024G>A, p.Asp342Asn (NM_000509.6); short protein forms D342N.
Identifiers: ClinVar variation 3380989 (VCV003380989.1).